The following is an entry in ClinVar:

ClinVar aggregate classification (germline): Uncertain significance (1 of 4 stars; one submission).

Conditions:
H syndrome. Also called: Pigmented hypertrichosis and insulin-dependent diabetes mellitus; Asrar Facharzt Haque syndrome; HISTIOCYTOSIS AND LYMPHADENOPATHY WITH OR WITHOUT CUTANEOUS, CARDIAC, AND/OR ENDOCRINE FEATURES, JOINT CONTRACTURES, AND/OR DEAFNESS; HYPERPIGMENTATION, CUTANEOUS, WITH HYPERTRICHOSIS, HEPATOSPLENOMEGALY, HEART ANOMALIES, AND HYPOGONADISM WITH OR WITHOUT HEARING LOSS; PIGMENTED HYPERTRICHOSIS WITH INSULIN-DEPENDENT DIABETES MELLITUS; ROSAI-DORFMAN DISEASE, FAMILIAL. Identifiers: Orphanet 168569, MedGen C1864445, MONDO:0011273, OMIM 602782.

Submission:

Labcorp Genetics (formerly Invitae), Labcorp
Classification: Uncertain significance for Histiocytosis-lymphadenopathy plus syndrome. Last evaluated: 2018-09-10. Review status: criteria provided, single submitter. Criteria: Invitae Variant Classification Sherloc (09022015). Collection method: clinical testing. Allele origin: germline.
Comment: This variant results in a copy number gain of the genomic region encompassing exons 1-2 of the SLC29A3 gene. The 5' end of this event is unknown as it extends beyond the assayed region for this gene and therefore may encompass additional genes. The 3' boundary is likely confined to intron 2 of the SLC29A3 gene. As the precise location of this event is unknown, it may be in tandem or it may be located elsewhere in the genome. This variant has not been reported in the literature in individuals with SLC29A3-related disease. Experimental studies and prediction algorithms are not available for this variant, and the functional significance of the duplicated amino acids is currently unknown. In summary, the available evidence is currently insufficient to determine the role of this variant in disease. Therefore, it has been classified as a Variant of Uncertain Significance.

NC_000010.10:g.(?_73079047)_(73082831_?)dup

Genes: SLC29A3 (solute carrier family 29 member 3; plus strand), LOC130004025 (ATAC-STARR-seq lymphoblastoid silent region 2461; plus strand). Cytogenetic location: 10q22.1.
Variant type: Duplication.
Identifiers: ClinVar variation 583783 (VCV000583783.2).